The following is an entry in ClinVar:

ClinVar aggregate classification (germline): Conflicting classifications of pathogenicity. Review status: criteria provided, conflicting classifications (1 of 4 stars). 3 submissions from 3 submitters: Uncertain significance (1); Likely benign (1). 1 of the submissions does not count toward it. Last evaluated 2024-10-28.

Conditions:
CACNA1H-related disorder.
Epilepsy, childhood absence, susceptibility to, 6. Identifiers: Orphanet 64280, MedGen C2749872, MONDO:0012763, OMIM 611942.
Hyperaldosteronism, familial, type IV (HALD4). Also called: FH IV; ALDOSTERONISM, PRIMARY, AND HYPERTENSION. Identifiers: Orphanet 642671, MedGen C4310756, MONDO:0014875, OMIM 617027.
Idiopathic generalized epilepsy. Also called: Generalised epilepsy; EIG. Identifiers: MedGen C0270850, MONDO:0005579, OMIM 600669.

Allele frequency attached by ClinVar (database versions not stated): ExAC below 0.00001; gnomAD exomes 0.00001 and 0.00003; gnomAD 0.00003 and 0.00004; TOPMed 0.00003.
gnomAD v4.1: 54 of 1,576,932 alleles (0.0034%); highest among the groups gnomAD compares: Non-Finnish European, 0.0045%; no homozygotes.

Submissions (3):

Labcorp Genetics (formerly Invitae), Labcorp
Classification: Likely benign for Idiopathic generalized epilepsy; Hyperaldosteronism, familial, type IV. Last evaluated: 2024-10-28. Review status: criteria provided, single submitter. Criteria: Invitae Variant Classification Sherloc (09022015). Collection method: clinical testing. Allele origin: germline.

Fulgent Genetics
Classification: Uncertain significance for Epilepsy, childhood absence, susceptibility to, 6; Hyperaldosteronism, familial, type IV. Last evaluated: 2024-01-05. Review status: criteria provided, single submitter. Criteria: ACMG Guidelines, 2015. Collection method: clinical testing. Allele origin: germline.

PreventionGenetics, part of Exact Sciences
Classification: Likely benign for CACNA1H-related condition. Last evaluated: 2019-06-08. Review status: no assertion criteria provided. Collection method: clinical testing. Allele origin: germline. Not counted in ClinVar's aggregate classification.
Comment: This variant is classified as likely benign based on ACMG/AMP sequence variant interpretation guidelines (Richards et al. 2015 PMID: 25741868, with internal and published modifications).

NM_021098.3(CACNA1H):c.2757C>T (p.Cys919=)

Gene: CACNA1H (calcium voltage-gated channel subunit alpha1 H; plus strand). Cytogenetic location: 16p13.3.
Variant type: single nucleotide variant.
Coding change: c.2757C>T on transcript NM_021098.3 (MANE Select); coding-DNA position 2757, C replaced by T.
Protein change: p.Cys919=; no amino-acid change (cysteine 919 retained).
Molecular consequence: synonymous variant.
Genome position (GRCh38, 1-based): chr16:1,206,257, C>T. VCF-style: chr16-1206257-C-T. GRCh37 (hg19) VCF-style: chr16-1256257-C-T.
Other names: c.2757C>T, p.Cys919= (NM_001005407.2).
Identifiers: ClinVar variation 852520 (VCV000852520.12), dbSNP rs761572907, ClinGen allele CA7800415.
Genomic context (GRCh38, chr16:1,206,257, plus strand): 5'-AGCCCTGCGGCGCCAGCTCGTGGTGCTGGTGAAGACCATGGACAACGTGGCTACCTTCTG[C>T]ACGCTGCTCATGCTCTTCATTTTCATCTTCAGGTGGGCGCAACCCCCCTCCCGGCCCGCC-3'
Protein context (NP_066921.2, residues 909-929): VKTMDNVATF[Cys919=]TLLMLFIFIF